The following is an entry in ClinVar:

ClinVar aggregate classification (germline): Uncertain significance. Review status: criteria provided, multiple submitters, no conflicts (2 of 4 stars). 3 submissions from 3 submitters: Uncertain significance (3). Last evaluated 2026-08-11.

Conditions:
Inborn genetic diseases. Identifiers: MedGen C0950123, MeSH D030342.

Allele frequency attached by ClinVar (database versions not stated): gnomAD exomes 0.00001; gnomAD 0.00004; TOPMed 0.00007.
gnomAD v4.1: 48 of 1,614,006 alleles (0.003%); highest among the groups gnomAD compares: African/African-American, 0.004%; no homozygotes.

Submissions (3):

GeneDx
Classification: Uncertain significance. Last evaluated: 2026-08-11. Review status: criteria provided, single submitter. Criteria: GeneDx Variant Classification Process June 2021. Collection method: clinical testing. Allele origin: germline.
Comment: Not observed at significant frequency in large population cohorts (gnomAD); In silico analysis suggests that this missense variant does not alter protein structure/function; Has not been previously published as pathogenic or benign to our knowledge

Labcorp Genetics (formerly Invitae), Labcorp
Classification: Uncertain significance. Last evaluated: 2021-08-30. Review status: criteria provided, single submitter. Criteria: Invitae Variant Classification Sherloc (09022015). Collection method: clinical testing. Allele origin: germline.
Comment: This sequence change replaces proline with arginine at codon 253 of the PDHX protein (p.Pro253Arg). The proline residue is moderately conserved and there is a moderate physicochemical difference between proline and arginine. This variant is not present in population databases (ExAC no frequency). This variant has not been reported in the literature in individuals affected with PDHX-related conditions. Algorithms developed to predict the effect of missense changes on protein structure and function are either unavailable or do not agree on the potential impact of this missense change (SIFT: "Tolerated"; PolyPhen-2: "Possibly Damaging"; Align-GVGD: "Class C0"). In summary, the available evidence is currently insufficient to determine the role of this variant in disease. Therefore, it has been classified as a Variant of Uncertain Significance.

Ambry Genetics
Classification: Uncertain significance for Inborn genetic diseases. Last evaluated: 2021-03-02. Review status: criteria provided, single submitter. Criteria: Ambry Variant Classification Scheme 2023. Collection method: clinical testing. Allele origin: germline.
Comment: The c.758C>G (p.P253R) alteration is located in exon 6 (coding exon 6) of the PDHX gene. This alteration results from a C to G substitution at nucleotide position 758, causing the proline (P) at amino acid position 253 to be replaced by an arginine (R). The p.P253R alteration is predicted to be tolerated by in silico analysis. Based on insufficient or conflicting evidence, the clinical significance of this alteration remains unclear.

NM_003477.3(PDHX):c.758C>G (p.Pro253Arg)

Gene: PDHX (pyruvate dehydrogenase complex component X; plus strand). Cytogenetic location: 11p13.
Variant type: single nucleotide variant.
Coding change: c.758C>G on transcript NM_003477.3 (MANE Select); coding-DNA position 758, C replaced by G.
Protein change: p.Pro253Arg; replaces proline 253 with arginine.
Molecular consequence: missense variant. On other transcripts: intron variant (1).
Genome position (GRCh38, 1-based): chr11:34,966,756, C>G. VCF-style: chr11-34966756-C-G. GRCh37 (hg19) VCF-style: chr11-34988303-C-G.
Other names: c.578C>G, p.Pro193Arg (NM_001135024.2); c.343-17814C>G (NM_001166158.2); short protein forms P253R, P193R.
Identifiers: ClinVar variation 857373 (VCV000857373.6), dbSNP rs777713368, ClinGen allele CA220466410.